The following is an entry in ClinVar:

ClinVar aggregate classification (germline): Uncertain significance (1 of 4 stars; one submission).

Conditions:
Epilepsy, progressive myoclonic, 1B. Also called: PME. Identifiers: Orphanet 308, MedGen C2676254, MONDO:0012904, OMIM 612437.

gnomAD v4.1: 26 of 1,613,836 alleles (0.0016%); highest among the groups gnomAD compares: South Asian, 0.021%; no homozygotes.

Submission:

Labcorp Genetics (formerly Invitae), Labcorp
Classification: Uncertain significance for Epilepsy, progressive myoclonic, 1B. Last evaluated: 2022-07-26. Review status: criteria provided, single submitter. Criteria: Invitae Variant Classification Sherloc (09022015). Collection method: clinical testing. Allele origin: germline.
Comment: This sequence change replaces arginine, which is basic and polar, with glutamine, which is neutral and polar, at codon 787 of the PRICKLE1 protein (p.Arg787Gln). This variant is present in population databases (rs776819993, gnomAD 0.03%). This variant has not been reported in the literature in individuals affected with PRICKLE1-related conditions. ClinVar contains an entry for this variant (Variation ID: 1369847). Algorithms developed to predict the effect of missense changes on protein structure and function are either unavailable or do not agree on the potential impact of this missense change (SIFT: "Tolerated"; PolyPhen-2: "Possibly Damaging"; Align-GVGD: "Class C0"). Algorithms developed to predict the effect of sequence changes on RNA splicing suggest that this variant may create or strengthen a splice site. In summary, the available evidence is currently insufficient to determine the role of this variant in disease. Therefore, it has been classified as a Variant of Uncertain Significance.

NM_153026.3(PRICKLE1):c.2360G>A (p.Arg787Gln)

Gene: PRICKLE1 (prickle planar cell polarity protein 1; minus strand). Cytogenetic location: 12q12.
Variant type: single nucleotide variant.
Coding change: c.2360G>A on transcript NM_153026.3 (MANE Select); coding-DNA position 2360, G replaced by A.
Protein change: p.Arg787Gln; replaces arginine 787 with glutamine.
Molecular consequence: missense variant.
Genome position (GRCh38, 1-based): chr12:42,459,945, C>T on the plus strand (G>A on the coding strand, the complement: PRICKLE1 is on the minus strand). VCF-style: chr12-42459945-C-T. GRCh37 (hg19) VCF-style: chr12-42853747-C-T.
Other names: c.2360G>A, p.Arg787Gln (NM_001144881.2, NM_001144882.2, NM_001144883.2); short protein forms R787Q.
Identifiers: ClinVar variation 1369847 (VCV001369847.5), dbSNP rs776819993, ClinGen allele CA6519612.